The following is an entry in ClinVar:

NM_002972.4(SBF1):c.3712A>G (p.Ser1238Gly)

Gene: SBF1 (SET binding factor 1; minus strand). Cytogenetic location: 22q13.33.
Variant type: single nucleotide variant.
Coding change: c.3712A>G on transcript NM_002972.4 (MANE Select); coding-DNA position 3712, A replaced by G.
Protein change: p.Ser1238Gly; replaces serine 1238 with glycine.
Molecular consequence: missense variant.
Genome position (GRCh38, 1-based): chr22:50,459,369, T>C on the plus strand (A>G on the coding strand, the complement: SBF1 is on the minus strand). VCF-style: chr22-50459369-T-C. GRCh37 (hg19) VCF-style: chr22-50897798-T-C.
Other names: c.3715A>G, p.Ser1239Gly (NM_001365819.1, NM_001410794.1); c.3712A>G, p.Ser1238Gly (NM_001410795.1, NM_197971.1); short protein forms S1238G, S1239G.
Identifiers: ClinVar variation 2579935 (VCV002579935.2), dbSNP rs777147291, ClinGen allele CA10316596.
Genomic context (GRCh38, chr22:50,459,369, plus strand): 5'-CGTCGGCGTAGCGGGGCATGGAGCTGACCACAGCCTGCAGGTACTTCTCCTGCTCCAGGC[T>C]ACTCGAGTCCGCCTGGGACTGGCCTGGGGGAGGACACGGAGCTGAGGGAGGGGAGGGTGA-3'
Protein context (NP_002963.2, residues 1228-1248): SPGQSQADSS[Ser1238Gly]LEQEKYLQAV

ClinVar aggregate classification (germline): Uncertain significance. Review status: criteria provided, multiple submitters, no conflicts (2 of 4 stars). 2 submissions from 2 submitters: Uncertain significance (2). Last evaluated 2025-02-09.

Allele frequency attached by ClinVar (database versions not stated): gnomAD exomes below 0.00001; ExAC 0.00001.
gnomAD v4.1: 3 of 1,612,384 alleles (0.00019%); highest among the groups gnomAD compares: Non-Finnish European, 0.00025%; no homozygotes.

Submissions (2):

Ambry Genetics
Classification: Uncertain significance. Last evaluated: 2025-02-09. Review status: criteria provided, single submitter. Criteria: Ambry Variant Classification Scheme 2023. Collection method: clinical testing. Allele origin: germline.

GeneDx
Classification: Uncertain significance. Last evaluated: 2023-03-16. Review status: criteria provided, single submitter. Criteria: GeneDx Variant Classification Process June 2021. Collection method: clinical testing. Allele origin: germline. Affected: yes.
Comment: Not observed at significant frequency in large population cohorts (gnomAD); In silico analysis supports that this missense variant has a deleterious effect on protein structure/function; Has not been previously published as pathogenic or benign to our knowledge